The following is an entry in ClinVar:

ClinVar aggregate classification (germline): Uncertain significance (1 of 4 stars; one submission).

Allele frequency attached by ClinVar (database versions not stated): gnomAD 0.00001; 1000 Genomes Project 0.00020; 1000 Genomes Project 30x 0.00031.
gnomAD v4.1: 4 of 1,614,160 alleles (0.00025%); highest among the groups gnomAD compares: East Asian, 0.0089%; no homozygotes.

Submission:

Ambry Genetics
Classification: Uncertain significance. Last evaluated: 2023-01-08. Review status: criteria provided, single submitter. Criteria: Ambry Variant Classification Scheme 2023. Collection method: clinical testing. Allele origin: germline.
Comment: The p.P154L variant (also known as c.461C>T), located in coding exon 1 of the PALLD gene, results from a C to T substitution at nucleotide position 461. The proline at codon 154 is replaced by leucine, an amino acid with similar properties. This amino acid position is conserved. In addition, this alteration is predicted to be tolerated by in silico analysis. Since supporting evidence is limited at this time, the clinical significance of this alteration remains unclear.

NM_001166108.2(PALLD):c.461C>T (p.Pro154Leu)

Gene: PALLD (palladin, cytoskeletal associated protein; plus strand). Cytogenetic location: 4q32.3.
Variant type: single nucleotide variant.
Coding change: c.461C>T on transcript NM_001166108.2 (MANE Select); coding-DNA position 461, C replaced by T.
Protein change: p.Pro154Leu; replaces proline 154 with leucine.
Molecular consequence: missense variant.
Genome position (GRCh38, 1-based): chr4:168,511,965, C>T. VCF-style: chr4-168511965-C-T. GRCh37 (hg19) VCF-style: chr4-169433116-C-T.
Other names: c.461C>T, p.Pro154Leu (NM_016081.4); short protein forms P154L.
Identifiers: ClinVar variation 2447228 (VCV002447228.2), dbSNP rs536993034, ClinGen allele CA3135372.